The following is an entry in ClinVar:

NM_000535.7(PMS2):c.2219T>G (p.Ile740Arg)

Gene: PMS2 (PMS1 homolog 2, mismatch repair system component; minus strand). Cytogenetic location: 7p22.1.
Variant type: single nucleotide variant.
Coding change: c.2219T>G on transcript NM_000535.7 (MANE Select); coding-DNA position 2219, T replaced by G.
Protein change: p.Ile740Arg; replaces isoleucine 740 with arginine.
Molecular consequence: missense variant. On other transcripts: non-coding transcript variant (1).
Genome position (GRCh38, 1-based): chr7:5,978,652, A>C on the plus strand (T>G on the coding strand, the complement: PMS2 is on the minus strand). VCF-style: chr7-5978652-A-C. GRCh37 (hg19) VCF-style: chr7-6018283-A-C.
Other names: c.1814T>G, p.Ile605Arg (NM_001018040.1, NM_001322003.2, NM_001322004.2 and 15 more transcripts); c.2063T>G, p.Ile688Arg (NM_001322006.2, NM_001406870.1); c.1901T>G, p.Ile634Arg (NM_001322007.2, NM_001322008.2, NM_001406876.1 and 1 more transcripts); c.1658T>G, p.Ile553Arg (NM_001322010.2, NM_001406906.1, NM_001406907.1); c.1286T>G, p.Ile429Arg (NM_001322011.2, NM_001322012.2); c.1646T>G, p.Ile549Arg (NM_001322013.2, NM_001406908.1, NM_001406909.1); c.2219T>G, p.Ile740Arg (NM_001322014.2); c.1910T>G, p.Ile637Arg (NM_001322015.2, NM_001406875.1, NM_001406877.1 and 5 more transcripts); and 14 more; short protein forms I429R, I553R, I618R, I632R, I634R, I740R, I582R, I605R.
Identifiers: ClinVar variation 2031251 (VCV002031251.7), dbSNP rs1554294462, ClinGen allele CA366736761.

ClinVar aggregate classification (germline): Uncertain significance. Review status: criteria provided, multiple submitters, no conflicts (2 of 4 stars). 4 submissions from 4 submitters: Uncertain significance (4). Last evaluated 2026-03-01.

Conditions:
Hereditary nonpolyposis colorectal neoplasms. Identifiers: MedGen C0009405, MeSH D003123.
Hereditary cancer-predisposing syndrome. Also called: Neoplastic Syndromes, Hereditary; Hereditary Cancer Syndrome; Tumor predisposition; Hereditary neoplastic syndrome. Identifiers: Orphanet 140162, MedGen C0027672, MeSH D009386, MONDO:0015356.

Allele frequency attached by ClinVar (database versions not stated): gnomAD exomes below 0.00001.
gnomAD v4.1: 1 of 1,603,954 alleles (0.000062%); highest among the groups gnomAD compares: Non-Finnish European, 0.000085%; no homozygotes.

Submissions (4):

Ambry Genetics
Classification: Uncertain significance for Hereditary cancer-predisposing syndrome. Last evaluated: 2026-03-01. Review status: criteria provided, single submitter. Criteria: Ambry Variant Classification Scheme 2023. Collection method: clinical testing. Allele origin: germline.
Comment: The p.I740R variant (also known as c.2219T>G), located in coding exon 13 of the PMS2 gene, results from a T to G substitution at nucleotide position 2219. The isoleucine at codon 740 is replaced by arginine, an amino acid with similar properties. This amino acid position is conserved. In addition, the in silico prediction for this alteration is inconclusive. Based on the available evidence, the clinical significance of this variant remains unclear.

Color Diagnostics, LLC DBA Color Health
Classification: Uncertain significance for Hereditary cancer-predisposing syndrome. Last evaluated: 2025-02-10. Review status: criteria provided, single submitter. Criteria: ACMG Guidelines, 2015. Collection method: clinical testing. Allele origin: germline.
Comment: This missense variant replaces isoleucine with arginine at codon 740 of the PMS2 protein. Computational prediction suggests that this variant may not impact protein structure and function (internally defined REVEL score threshold <= 0.5, PMID: 27666373). To our knowledge, functional studies have not been reported for this variant. This variant has not been reported in individuals affected with PMS2-related disorders in the literature. This variant has not been identified in the general population by the Genome Aggregation Database (gnomAD). The available evidence is insufficient to determine the role of this variant in disease conclusively. Therefore, this variant is classified as a Variant of Uncertain Significance.

Labcorp Genetics (formerly Invitae), Labcorp
Classification: Uncertain significance for Hereditary nonpolyposis colorectal neoplasms. Last evaluated: 2024-09-01. Review status: criteria provided, single submitter. Criteria: Invitae Variant Classification Sherloc (09022015). Collection method: clinical testing. Allele origin: germline.
Comment: This sequence change replaces isoleucine, which is neutral and non-polar, with arginine, which is basic and polar, at codon 740 of the PMS2 protein (p.Ile740Arg). The frequency data for this variant in the population databases (gnomAD) is considered unreliable due to the presence of homologous sequence, such as pseudogenes or paralogs, in the genome. This variant has not been reported in the literature in individuals affected with PMS2-related conditions. ClinVar contains an entry for this variant (Variation ID: 2031251). Invitae Evidence Modeling of protein sequence and biophysical properties (such as structural, functional, and spatial information, amino acid conservation, physicochemical variation, residue mobility, and thermodynamic stability) indicates that this missense variant is expected to disrupt PMS2 protein function with a positive predictive value of 80%. In summary, the available evidence is currently insufficient to determine the role of this variant in disease. Therefore, it has been classified as a Variant of Uncertain Significance.

Blueprint Genetics
Classification: Uncertain significance. Last evaluated: 2021-12-21. Review status: criteria provided, single submitter. Criteria: ACMG Guidelines, 2015. Collection method: clinical testing. Allele origin: germline.